The following is an entry in ClinVar:

ClinVar aggregate classification (germline): Uncertain significance (1 of 4 stars; one submission).

Conditions:
Psoriasis 2. Identifiers: MedGen C1864497, MONDO:0011269, OMIM 602723.
Pityriasis rubra pilaris (PRP). Also called: Pityriasis rubra pilaris--familial type. Identifiers: Orphanet 2897, MedGen C0032027, MONDO:0100017, OMIM 173200, MONDO:0008251.

Submission:

Labcorp Genetics (formerly Invitae), Labcorp
Classification: Uncertain significance for Pityriasis rubra pilaris; Psoriasis 2. Last evaluated: 2022-08-28. Review status: criteria provided, single submitter. Criteria: Invitae Variant Classification Sherloc (09022015). Collection method: clinical testing. Allele origin: germline.
Comment: In summary, the available evidence is currently insufficient to determine the role of this variant in disease. Therefore, it has been classified as a Variant of Uncertain Significance. Algorithms developed to predict the effect of sequence changes on RNA splicing suggest that this variant may disrupt the consensus splice site. This variant has not been reported in the literature in individuals affected with CARD14-related conditions. The frequency data for this variant in the population databases is considered unreliable, as metrics indicate poor data quality at this position in the gnomAD database. This sequence change falls in intron 17 of the CARD14 gene. It does not directly change the encoded amino acid sequence of the CARD14 protein.

NM_001366385.1(CARD14):c.2398+11G>A

Genes: CARD14 (caspase recruitment domain family member 14; plus strand), SGSH (N-sulfoglucosamine sulfohydrolase; minus strand). Cytogenetic location: 17q25.3.
Variant type: single nucleotide variant.
Coding change: c.2398+11G>A on transcript NM_001366385.1 (MANE Select); 11 bases into the intron after coding-DNA position 2398, G replaced by A.
Molecular consequence: intron variant.
Genome position (GRCh38, 1-based): chr17:80,204,352, G>A. VCF-style: chr17-80204352-G-A. GRCh37 (hg19) VCF-style: chr17-78178151-G-A.
Other names: c.2398+11G>A (NM_024110.4).
Identifiers: ClinVar variation 2027531 (VCV002027531.4), dbSNP rs1335535850, ClinGen allele CA502193544.